The following is an entry in ClinVar:

ClinVar aggregate classification (germline): Pathogenic (1 of 4 stars; one submission).

Submission:

GeneDx
Classification: Pathogenic. Last evaluated: 2023-08-01. Review status: criteria provided, single submitter. Criteria: GeneDx Variant Classification Process June 2021. Collection method: clinical testing. Allele origin: germline. Affected: yes.
Comment: Nonsense variant predicted to result in protein truncation [or nonsense mediated decay] in a gene for which loss of function is a known mechanism of disease; Not observed at significant frequency in large population cohorts (gnomAD); This variant is associated with the following publications: (PMID: 36573973)

NM_001009944.3(PKD1):c.3181G>T (p.Glu1061Ter)

Gene: PKD1 (polycystin 1, transient receptor potential channel interacting; minus strand). Cytogenetic location: 16p13.3.
Variant type: single nucleotide variant.
Coding change: c.3181G>T on transcript NM_001009944.3 (MANE Select); coding-DNA position 3181, G replaced by T.
Protein change: p.Glu1061Ter; replaces glutamic acid 1061 with a stop codon.
Molecular consequence: nonsense.
Genome position (GRCh38, 1-based): chr16:2,112,454, C>A on the plus strand (G>T on the coding strand, the complement: PKD1 is on the minus strand). VCF-style: chr16-2112454-C-A. GRCh37 (hg19) VCF-style: chr16-2162455-C-A.
Other names: c.3181G>T, p.Glu1061Ter (NM_000296.4); short protein forms E1061*.
Identifiers: ClinVar variation 3360851 (VCV003360851.1).